The following is an entry in ClinVar:

NM_001005242.3(PKP2):c.681C>A (p.Ser227Arg)

Gene: PKP2 (plakophilin 2; minus strand). Cytogenetic location: 12p11.21.
Variant type: single nucleotide variant.
Coding change: c.681C>A on transcript NM_001005242.3 (MANE Select); coding-DNA position 681, C replaced by A.
Protein change: p.Ser227Arg; replaces serine 227 with arginine.
Molecular consequence: missense variant.
Genome position (GRCh38, 1-based): chr12:32,878,199, G>T on the plus strand (C>A on the coding strand, the complement: PKP2 is on the minus strand). VCF-style: chr12-32878199-G-T. GRCh37 (hg19) VCF-style: chr12-33031133-G-T.
Other names: c.681C>A, p.Ser227Arg (NM_001407155.1, NM_001407156.1, NM_001407157.1 and 2 more transcripts); c.354C>A, p.Ser118Arg (NM_001407158.1, NM_001407159.1, NM_001407160.1 and 1 more transcripts); short protein forms S227R, S118R.
Identifiers: ClinVar variation 2307858 (VCV002307858.3), dbSNP rs762263587, ClinGen allele CA384363430.

ClinVar aggregate classification (germline): Uncertain significance (1 of 4 stars; one submission).

Conditions:
Cardiovascular phenotype. Identifiers: MedGen CN230736.

Submission:

Ambry Genetics
Classification: Uncertain significance for Cardiovascular phenotype. Last evaluated: 2026-09-11. Review status: criteria provided, single submitter. Criteria: Ambry Variant Classification Scheme 2023. Collection method: clinical testing. Allele origin: germline.
Comment: The p.S227R variant (also known as c.681C>A), located in coding exon 3 of the PKP2 gene, results from a C to A substitution at nucleotide position 681. The serine at codon 227 is replaced by arginine, an amino acid with dissimilar properties. This amino acid position is conserved. In addition, this alteration is predicted to be tolerated by in silico analysis. Based on the available evidence, the clinical significance of this variant remains unclear.